The following is an entry in ClinVar:

NM_024757.5(EHMT1):c.2814C>G (p.His938Gln)

Gene: EHMT1 (euchromatic histone lysine methyltransferase 1; plus strand). Cytogenetic location: 9q34.3.
Variant type: single nucleotide variant.
Coding change: c.2814C>G on transcript NM_024757.5 (MANE Select); coding-DNA position 2814, C replaced by G.
Protein change: p.His938Gln; replaces histidine 938 with glutamine.
Molecular consequence: missense variant.
Genome position (GRCh38, 1-based): chr9:137,811,562, C>G. VCF-style: chr9-137811562-C-G. GRCh37 (hg19) VCF-style: chr9-140706014-C-G.
Other names: c.2793C>G, p.His931Gln (NM_001354263.2); short protein forms H938Q, H931Q.
Identifiers: ClinVar variation 1362291 (VCV001362291.6), dbSNP rs151024617, ClinGen allele CA375791762.

ClinVar aggregate classification (germline): Uncertain significance (1 of 4 stars; one submission).

Conditions:
Kleefstra syndrome 1 (KLEFS1). Identifiers: Orphanet 261494, MedGen C0795833, MONDO:0027407, OMIM 610253.

Submission:

Labcorp Genetics (formerly Invitae), Labcorp
Classification: Uncertain significance for Kleefstra syndrome 1. Last evaluated: 2021-10-27. Review status: criteria provided, single submitter. Criteria: Invitae Variant Classification Sherloc (09022015). Collection method: clinical testing. Allele origin: germline.
Comment: Algorithms developed to predict the effect of sequence changes on RNA splicing suggest that this variant may create or strengthen a splice site. In summary, the available evidence is currently insufficient to determine the role of this variant in disease. Therefore, it has been classified as a Variant of Uncertain Significance. Algorithms developed to predict the effect of missense changes on protein structure and function are either unavailable or do not agree on the potential impact of this missense change (SIFT: "Deleterious"; PolyPhen-2: "Probably Damaging"; Align-GVGD: "Class C15"). This variant has not been reported in the literature in individuals affected with EHMT1-related conditions. This variant is not present in population databases (gnomAD no frequency). This sequence change replaces histidine, a(n) basic and polar amino acid, with glutamine, a(n) neutral and polar amino acid, at codon 938 of the EHMT1 protein (p.His938Gln).